The following is an entry in ClinVar:

NM_003060.4(SLC22A5):c.1483A>G (p.Met495Val)

Gene: SLC22A5 (solute carrier family 22 member 5; plus strand). Cytogenetic location: 5q31.1.
Variant type: single nucleotide variant.
Coding change: c.1483A>G on transcript NM_003060.4 (MANE Select); coding-DNA position 1483, A replaced by G.
Protein change: p.Met495Val; replaces methionine 495 with valine.
Molecular consequence: missense variant.
Genome position (GRCh38, 1-based): chr5:132,393,708, A>G. VCF-style: chr5-132393708-A-G. GRCh37 (hg19) VCF-style: chr5-131729400-A-G.
Other names: c.1555A>G, p.Met519Val (NM_001308122.2); c.1483A>G (NM_003060.3); short protein forms M495V, M519V.
Identifiers: ClinVar variation 1478477 (VCV001478477.8), dbSNP rs1023956374, ClinGen allele CA127213064.
Genomic context (GRCh38, chr5:132,393,708, plus strand): 5'-GCCTGAGGCTCCGTCTGCTTTGCCATAGGTGCCTACGACCGCTTCCTGCCCTACATTCTC[A>G]TGGGAAGTCTGACCATCCTGACAGCCATCCTCACCTTGTTTCTCCCAGAGAGCTTCGGTA-3'
Protein context (NP_003051.1, residues 485-505): AYDRFLPYIL[Met495Val]GSLTILTAIL

ClinVar aggregate classification (germline): Uncertain significance. Review status: criteria provided, multiple submitters, no conflicts (2 of 4 stars). 2 submissions from 2 submitters: Uncertain significance (2). Last evaluated 2024-08-28.

Conditions:
Inborn genetic diseases. Identifiers: MedGen C0950123, MeSH D030342.
Renal carnitine transport defect (CDSP). Also called: Primary carnitine deficiency; Systemic primary carnitine deficiency; CARNITINE DEFICIENCY, SYSTEMIC, DUE TO DEFECT IN RENAL REABSORPTION OF CARNITINE; CARNITINE TRANSPORTER, PLASMA-MEMBRANE, DEFICIENCY OF; CARNITINE UPTAKE DEFECT; Carnitine transporter deficiency. Identifiers: Orphanet 158, MedGen C0342788, MONDO:0008919, OMIM 212140.

Allele frequency attached by ClinVar (database versions not stated): gnomAD exomes below 0.00001; gnomAD 0.00001; TOPMed 0.00002.
gnomAD v4.1: 3 of 1,612,850 alleles (0.00019%); highest among the groups gnomAD compares: African/African-American, 0.0027%; no homozygotes.

Submissions (2):

Ambry Genetics
Classification: Uncertain significance for Inborn genetic diseases. Last evaluated: 2024-08-28. Review status: criteria provided, single submitter. Criteria: Ambry Variant Classification Scheme 2023. Collection method: clinical testing. Allele origin: germline.

Labcorp Genetics (formerly Invitae), Labcorp
Classification: Uncertain significance for Renal carnitine transport defect. Last evaluated: 2024-05-13. Review status: criteria provided, single submitter. Criteria: Invitae Variant Classification Sherloc (09022015). Collection method: clinical testing. Allele origin: germline.
Comment: This sequence change replaces methionine, which is neutral and non-polar, with valine, which is neutral and non-polar, at codon 495 of the SLC22A5 protein (p.Met495Val). This variant is not present in population databases (gnomAD no frequency). This variant has not been reported in the literature in individuals affected with SLC22A5-related conditions. ClinVar contains an entry for this variant (Variation ID: 1478477). Advanced modeling of protein sequence and biophysical properties (such as structural, functional, and spatial information, amino acid conservation, physicochemical variation, residue mobility, and thermodynamic stability) has been performed at Invitae for this missense variant, however the output from this modeling did not meet the statistical confidence thresholds required to predict the impact of this variant on SLC22A5 protein function. In summary, the available evidence is currently insufficient to determine the role of this variant in disease. Therefore, it has been classified as a Variant of Uncertain Significance.